The following is an entry in ClinVar:

ClinVar aggregate classification (germline): Uncertain significance. Review status: criteria provided, multiple submitters, no conflicts (2 of 4 stars). 2 submissions from 2 submitters: Uncertain significance (2). Last evaluated 2026-05-03.

Conditions:
Mucopolysaccharidosis, MPS-II (MPS2). Also called: Attenuated MPS (subtype; formerly known as mild MPS II); Severe MPS II; I2S deficiency; MPS 2; Hunter Syndrome; IDURONATE 2-SULFATASE DEFICIENCY. Identifiers: Orphanet 580, Orphanet 79388, MedGen C0026705, MONDO:0010674, OMIM 309900.

Submissions (2):

GeneDx
Classification: Uncertain significance. Last evaluated: 2026-05-03. Review status: criteria provided, single submitter. Criteria: GeneDx Variant Classification Process June 2021. Collection method: clinical testing. Allele origin: germline.
Comment: Not observed at significant frequency in large population cohorts (gnomAD); In silico analysis supports that this missense variant has a deleterious effect on protein structure/function; Has not been previously published as pathogenic or benign to our knowledge

Labcorp Genetics (formerly Invitae), Labcorp
Classification: Uncertain significance for Mucopolysaccharidosis, MPS-II. Last evaluated: 2024-12-07. Review status: criteria provided, single submitter. Criteria: Invitae Variant Classification Sherloc (09022015). Collection method: clinical testing. Allele origin: germline.
Comment: This sequence change replaces proline, which is neutral and non-polar, with alanine, which is neutral and non-polar, at codon 160 of the IDS protein (p.Pro160Ala). This variant is not present in population databases (gnomAD no frequency). This variant has not been reported in the literature in individuals affected with IDS-related conditions. Invitae Evidence Modeling of protein sequence and biophysical properties (such as structural, functional, and spatial information, amino acid conservation, physicochemical variation, residue mobility, and thermodynamic stability) indicates that this missense variant is expected to disrupt IDS protein function with a positive predictive value of 80%. This variant disrupts the p.Pro160 amino acid residue in IDS. Other variant(s) that disrupt this residue have been observed in individuals with IDS-related conditions (PMID: 1639384, 24125893, 33960103), which suggests that this may be a clinically significant amino acid residue. In summary, the available evidence is currently insufficient to determine the role of this variant in disease. Therefore, it has been classified as a Variant of Uncertain Significance.

Literature cited by the submitters: PubMed 1639384 (cited by Labcorp Genetics (formerly Invitae), Labcorp); PubMed 24125893 (cited by Labcorp Genetics (formerly Invitae), Labcorp); PubMed 33960103 (cited by Labcorp Genetics (formerly Invitae), Labcorp).

NM_000202.8(IDS):c.478C>G (p.Pro160Ala)

Genes: IDS (iduronate 2-sulfatase; minus strand), LOC106050102 (IDS recombination region; plus strand). Cytogenetic location: Xq28.
Variant type: single nucleotide variant.
Coding change: c.478C>G on transcript NM_000202.8 (MANE Select); coding-DNA position 478, C replaced by G.
Protein change: p.Pro160Ala; replaces proline 160 with alanine.
Molecular consequence: missense variant. On other transcripts: non-coding transcript variant (1).
Genome position (GRCh38, 1-based): chrX:149,500,978, G>C on the plus strand (C>G on the coding strand, the complement: IDS is on the minus strand). VCF-style: chrX-149500978-G-C. GRCh37 (hg19) VCF-style: chrX-148582509-G-C.
Other names: c.478C>G, p.Pro160Ala (NM_006123.5); c.478C>G (NM_000202.4); c.208C>G, p.Pro70Ala (NM_001166550.4); short protein forms P160A, P70A.
Identifiers: ClinVar variation 3607306 (VCV003607306.4).